The following is an entry in ClinVar:

ClinVar aggregate classification (germline): Likely benign. Review status: criteria provided, single submitter (1 of 4 stars). 2 submissions from 2 submitters: Likely benign (1). 1 of the submissions does not count toward it. Last evaluated 2018-05-31.

Conditions:
CORIN-related disorder. Also called: CORIN-related condition.

Allele frequency attached by ClinVar (database versions not stated): 1000 Genomes Project 30x 0.00078; 1000 Genomes Project 0.00080; TOPMed 0.00103; ESP Exome Variant Server 0.00138; gnomAD 0.00168 and 0.00239.
gnomAD v4.1: 3,392 of 1,613,678 alleles (0.21%); highest among the groups gnomAD compares: Non-Finnish European, 0.23%; 9 homozygotes.

Submissions (2):

Labcorp Genetics (formerly Invitae), Labcorp
Classification: Likely benign. Last evaluated: 2018-05-31. Review status: criteria provided, single submitter. Criteria: Invitae Variant Classification Sherloc (09022015). Collection method: clinical testing. Allele origin: germline.

PreventionGenetics, part of Exact Sciences
Classification: Likely benign for CORIN-related condition. Last evaluated: 2019-06-10. Review status: no assertion criteria provided. Collection method: clinical testing. Allele origin: germline. Not counted in ClinVar's aggregate classification.
Comment: This variant is classified as likely benign based on ACMG/AMP sequence variant interpretation guidelines (Richards et al. 2015 PMID: 25741868, with internal and published modifications).

NM_006587.4(CORIN):c.28G>A (p.Glu10Lys)

Genes: CORIN (corin, serine peptidase; minus strand), LOC101927179 (uncharacterized LOC101927179; plus strand). Cytogenetic location: 4p12.
Variant type: single nucleotide variant.
Coding change: c.28G>A on transcript NM_006587.4 (MANE Select); coding-DNA position 28, G replaced by A.
Protein change: p.Glu10Lys; replaces glutamic acid 10 with lysine.
Molecular consequence: missense variant.
Genome position (GRCh38, 1-based): chr4:47,837,922, C>T on the plus strand (G>A on the coding strand, the complement: CORIN is on the minus strand). VCF-style: chr4-47837922-C-T. GRCh37 (hg19) VCF-style: chr4-47839939-C-T.
Other names: c.28G>A, p.Glu10Lys (NM_001278585.2, NM_001278586.2); short protein forms E10K.
Identifiers: ClinVar variation 777970 (VCV000777970.5), dbSNP rs61758484, ClinGen allele CA2910165.